The following is an entry in ClinVar:

ClinVar aggregate classification (germline): Uncertain significance (1 of 4 stars; one submission).

Conditions:
Hereditary cancer-predisposing syndrome. Also called: Neoplastic Syndromes, Hereditary; Tumor predisposition; Hereditary Cancer Syndrome; Hereditary neoplastic syndrome. Identifiers: Orphanet 140162, MedGen C0027672, MeSH D009386, MONDO:0015356.

Submission:

Ambry Genetics
Classification: Uncertain significance for Hereditary cancer-predisposing syndrome. Last evaluated: 2025-06-22. Review status: criteria provided, single submitter. Criteria: Ambry Variant Classification Scheme 2023. Collection method: clinical testing. Allele origin: germline.
Comment: The p.A1056E variant (also known as c.3167C>A), located in coding exon 21 of the TSC1 gene, results from a C to A substitution at nucleotide position 3167. The alanine at codon 1056 is replaced by glutamic acid, an amino acid with dissimilar properties. This amino acid position is conserved. In addition, this alteration is predicted to be tolerated by in silico analysis. Based on the available evidence, the clinical significance of this variant remains unclear.

NM_000368.5(TSC1):c.3167C>A (p.Ala1056Glu)

Gene: TSC1 (TSC complex subunit 1; minus strand). Cytogenetic location: 9q34.13.
Variant type: single nucleotide variant.
Coding change: c.3167C>A on transcript NM_000368.5 (MANE Select); coding-DNA position 3167, C replaced by A.
Protein change: p.Ala1056Glu; replaces alanine 1056 with glutamic acid.
Molecular consequence: missense variant. On other transcripts: non-coding transcript variant (5).
Genome position (GRCh38, 1-based): chr9:132,896,563, G>T on the plus strand (C>A on the coding strand, the complement: TSC1 is on the minus strand). VCF-style: chr9-132896563-G-T. GRCh37 (hg19) VCF-style: chr9-135771950-G-T.
Other names: c.3164C>A, p.Ala1055Glu (NM_001162426.2, NM_001406597.1, NM_001406598.1 and 2 more transcripts); c.3014C>A, p.Ala1005Glu (NM_001162427.2, NM_001406610.1); c.2804C>A, p.Ala935Glu (NM_001362177.2, NM_001406614.1, NM_001406615.1 and 4 more transcripts); c.3152C>A, p.Ala1051Glu (NM_001406602.1, NM_001406601.1); c.3149C>A, p.Ala1050Glu (NM_001406603.1, NM_001406604.1); c.3125C>A, p.Ala1042Glu (NM_001406605.1, NM_001406606.1, NM_001406607.1); c.3122C>A, p.Ala1041Glu (NM_001406608.1, NM_001406609.1); c.3011C>A, p.Ala1004Glu (NM_001406611.1, NM_001406612.1); and 8 more; short protein forms A1050E, A1051E, A921E, A1042E, A1056E, A739E, A920E, A934E.
Identifiers: ClinVar variation 4192057 (VCV004192057.1).
Genomic context (GRCh38, chr9:132,896,563, plus strand): 5'-GTGGGGATGCTGGCAGACGCTTCTCCCATAGTCGTCTCCCACCGACTGCTGAATGGGCCT[G>T]CCCTCTGGTGTGGGGGTTTCTCTGGGGTAGAAAGCTCGCTGCTGCTGCTGCTGCTGCCTC-3'
Protein context (NP_000359.1, residues 1046-1066): STPEKPPHQR[Ala1056Glu]GPFSSRWETT